The following is an entry in ClinVar:

ClinVar aggregate classification (germline): Likely benign (0 of 4 stars; one submission).

Conditions:
TTC28-related disorder. Also called: TTC28-related condition.

Allele frequency attached by ClinVar (database versions not stated): gnomAD 0.00003; gnomAD exomes 0.00004; TOPMed 0.00005.
gnomAD v4.1: 67 of 1,550,196 alleles (0.0043%); highest among the groups gnomAD compares: Non-Finnish European, 0.0054%; no homozygotes.

Submission:

PreventionGenetics, part of Exact Sciences
Classification: Likely benign for TTC28-related condition. Last evaluated: 2019-03-14. Review status: no assertion criteria provided. Collection method: clinical testing. Allele origin: germline.
Comment: This variant is classified as likely benign based on ACMG/AMP sequence variant interpretation guidelines (Richards et al. 2015 PMID: 25741868, with internal and published modifications).

NM_001145418.2(TTC28):c.966C>T (p.His322=)

Gene: TTC28 (tetratricopeptide repeat domain 28; minus strand). Cytogenetic location: 22q12.1.
Variant type: single nucleotide variant.
Coding change: c.966C>T on transcript NM_001145418.2 (MANE Select); coding-DNA position 966, C replaced by T.
Protein change: p.His322=; no amino-acid change (histidine 322 retained).
Molecular consequence: synonymous variant.
Genome position (GRCh38, 1-based): chr22:28,163,567, G>A on the plus strand (C>T on the coding strand, the complement: TTC28 is on the minus strand). VCF-style: chr22-28163567-G-A. GRCh37 (hg19) VCF-style: chr22-28559555-G-A.
Other names: c.966C>T, p.His322= (NM_001393403.1); c.612C>T, p.His204= (NM_001393404.1, NM_001393405.1).
Identifiers: ClinVar variation 3046638 (VCV003046638.2), dbSNP rs1034279835, ClinGen allele CA323146826.